The following is an entry in ClinVar:

NM_000038.6(APC):c.6246T>C (p.Asp2082=)

Gene: APC (APC regulator of Wnt signaling pathway; plus strand). Cytogenetic location: 5q22.2.
Variant type: single nucleotide variant.
Coding change: c.6246T>C on transcript NM_000038.6 (MANE Select); coding-DNA position 6246, T replaced by C.
Protein change: p.Asp2082=; no amino-acid change (aspartic acid 2082 retained).
Molecular consequence: synonymous variant.
Genome position (GRCh38, 1-based): chr5:112,841,840, T>C. VCF-style: chr5-112841840-T-C. GRCh37 (hg19) VCF-style: chr5-112177537-T-C.
Other names: c.6246T>C, p.Asp2082= (NM_001127510.3, NM_001354895.2); c.6192T>C, p.Asp2064= (NM_001127511.3); c.6300T>C, p.Asp2100= (NM_001354896.2); c.6276T>C, p.Asp2092= (NM_001354897.2); c.6171T>C, p.Asp2057= (NM_001354898.2); c.6162T>C, p.Asp2054= (NM_001354899.2); c.6123T>C, p.Asp2041= (NM_001354900.2); c.6069T>C, p.Asp2023= (NM_001354901.2); and 5 more.
Identifiers: ClinVar variation 382181 (VCV000382181.14), dbSNP rs920756837, ClinGen allele CA16604796.

ClinVar aggregate classification (germline): Benign/Likely benign. Review status: criteria provided, multiple submitters, no conflicts (2 of 4 stars). 4 submissions from 4 submitters: Benign (1); Likely benign (3). Last evaluated 2024-04-09.

Conditions:
Familial adenomatous polyposis 1 (FAP1). Also called: FAMILIAL ADENOMATOUS POLYPOSIS 1, ATTENUATED; POLYPOSIS, ADENOMATOUS INTESTINAL. Identifiers: MedGen C2713442, MONDO:0021056, OMIM 175100. Disease mechanism: loss of function.
Hereditary cancer-predisposing syndrome. Also called: Tumor predisposition; Hereditary neoplastic syndrome; Neoplastic Syndromes, Hereditary; Hereditary Cancer Syndrome. Identifiers: Orphanet 140162, MedGen C0027672, MeSH D009386, MONDO:0015356.

Allele frequency attached by ClinVar (database versions not stated): gnomAD exomes below 0.00001; TOPMed below 0.00001.

Submissions (4):

Labcorp Genetics (formerly Invitae), Labcorp
Classification: Likely benign for Familial adenomatous polyposis 1. Last evaluated: 2024-04-09. Review status: criteria provided, single submitter. Criteria: Invitae Variant Classification Sherloc (09022015). Collection method: clinical testing. Allele origin: germline.

Myriad Genetics, Inc.
Classification: Benign for Familial adenomatous polyposis 1. Last evaluated: 2024-04-04. Review status: criteria provided, single submitter. Criteria: Myriad Autosomal Dominant, Autosomal Recessive and X-Linked Classification Criteria (2023). Collection method: clinical testing. Allele origin: unknown.
Comment: This variant is considered benign. This variant is a silent/synonymous amino acid change and it is not expected to impact splicing.

Ambry Genetics
Classification: Likely benign for Hereditary cancer-predisposing syndrome. Last evaluated: 2020-03-05. Review status: criteria provided, single submitter. Criteria: Ambry Variant Classification Scheme 2023. Collection method: clinical testing. Allele origin: germline.

GeneDx
Classification: Likely benign. Last evaluated: 2015-12-08. Review status: criteria provided, single submitter. Criteria: GeneDx Variant Classification (06012015). Collection method: clinical testing. Allele origin: germline. Affected: yes.
Comment: This variant is considered likely benign or benign based on one or more of the following criteria: it is a conservative change, it occurs at a poorly conserved position in the protein, it is predicted to be benign by multiple in silico algorithms, and/or has population frequency not consistent with disease.